The following is an entry in ClinVar:

NM_001378120.1(MBD5):c.2051G>A (p.Gly684Glu)

Gene: MBD5 (methyl-CpG binding domain protein 5; plus strand). Cytogenetic location: 2q23.1.
Variant type: single nucleotide variant.
Coding change: c.2051G>A on transcript NM_001378120.1 (MANE Select); coding-DNA position 2051, G replaced by A.
Protein change: p.Gly684Glu; replaces glycine 684 with glutamic acid.
Molecular consequence: missense variant.
Genome position (GRCh38, 1-based): chr2:148,469,994, G>A. VCF-style: chr2-148469994-G-A. GRCh37 (hg19) VCF-style: chr2-149227563-G-A.
Other names: c.2051G>A, p.Gly684Glu (NM_018328.5); short protein forms G684E.
Identifiers: ClinVar variation 1046284 (VCV001046284.9), dbSNP rs1680739908, ClinGen allele CA348721007.

ClinVar aggregate classification (germline): Uncertain significance (1 of 4 stars; one submission).

Conditions:
Intellectual developmental disorder, autosomal dominant 1. Also called: Intellectual disability, autosomal dominant 1; MBD5 Haploinsufficiency. Identifiers: Orphanet 228402, MedGen C1969562, MONDO:0007974, OMIM 156200.

Submission:

Labcorp Genetics (formerly Invitae), Labcorp
Classification: Uncertain significance for Intellectual developmental disorder, autosomal dominant 1. Last evaluated: 2020-05-12. Review status: criteria provided, single submitter. Criteria: Invitae Variant Classification Sherloc (09022015). Collection method: clinical testing. Allele origin: germline.
Comment: In summary, the available evidence is currently insufficient to determine the role of this variant in disease. Therefore, it has been classified as a Variant of Uncertain Significance. This sequence change replaces glycine with glutamic acid at codon 684 of the MBD5 protein (p.Gly684Glu). The glycine residue is highly conserved and there is a moderate physicochemical difference between glycine and glutamic acid. This variant is not present in population databases (ExAC no frequency). This variant has not been reported in the literature in individuals with MBD5-related conditions. Algorithms developed to predict the effect of missense changes on protein structure and function are either unavailable or do not agree on the potential impact of this missense change (SIFT: "Deleterious"; PolyPhen-2: "Probably Damaging"; Align-GVGD: "Class C15").